The following is an entry in ClinVar:

ClinVar aggregate classification (germline): Uncertain significance. Review status: criteria provided, multiple submitters, no conflicts (2 of 4 stars). 4 submissions from 4 submitters: Uncertain significance (4). Last evaluated 2025-06-29.

Conditions:
ATM-related cancer predisposition. Also called: ATM-related cancer susceptibility. Identifiers: MedGen CN377759, MONDO:0700270.
Ataxia-telangiectasia syndrome (AT). Also called: LOUIS-BAR SYNDROME; Cerebello-oculocutaneous telangiectasia; Immunodeficiency with ataxia telangiectasia; Ataxia-telangiectasia, complementation group D; AT, COMPLEMENTATION GROUP C; ATAXIA-TELANGIECTASIA, COMPLEMENTATION GROUP A. Identifiers: Orphanet 100, MedGen C0004135, MONDO:0008840, OMIM 208900.
Hereditary cancer-predisposing syndrome. Also called: Neoplastic Syndromes, Hereditary; Tumor predisposition; Hereditary neoplastic syndrome; Hereditary Cancer Syndrome. Identifiers: Orphanet 140162, MedGen C0027672, MeSH D009386, MONDO:0015356.

Submissions (4):

Dasa
Classification: Uncertain significance for ATM-related cancer predisposition. Last evaluated: 2025-06-29. Review status: criteria provided, single submitter. Criteria: DASA Assertion Criteria. Collection method: clinical testing. Allele origin: germline.
Comment: NM_000051.4(ATM):c.4981C>T (p.His1661Tyr) is a missense variant that results in the substitution of histidine with tyrosine. This variant is absent from population databases. Computational prediction algorithms are consistent with a benign effect. The currently available literature and clinical evidence are not sufficient to establish a definitive association between this variant and the reported condition. Therefore, this variant is classified as a variant of uncertain significance.

Ambry Genetics
Classification: Uncertain significance for Hereditary cancer-predisposing syndrome. Last evaluated: 2023-06-21. Review status: criteria provided, single submitter. Criteria: Ambry Variant Classification Scheme 2023. Collection method: clinical testing. Allele origin: germline.
Comment: The p.H1661Y variant (also known as c.4981C>T), located in coding exon 32 of the ATM gene, results from a C to T substitution at nucleotide position 4981. The histidine at codon 1661 is replaced by tyrosine, an amino acid with similar properties. This amino acid position is conserved. In addition, this alteration is predicted to be tolerated by in silico analysis. Since supporting evidence is limited at this time, the clinical significance of this alteration remains unclear.

Labcorp Genetics (formerly Invitae), Labcorp
Classification: Uncertain significance for Ataxia-telangiectasia syndrome. Last evaluated: 2023-05-30. Review status: criteria provided, single submitter. Criteria: Invitae Variant Classification Sherloc (09022015). Collection method: clinical testing. Allele origin: germline.
Comment: This variant is not present in population databases (gnomAD no frequency). This sequence change replaces histidine, which is basic and polar, with tyrosine, which is neutral and polar, at codon 1661 of the ATM protein (p.His1661Tyr). In summary, the available evidence is currently insufficient to determine the role of this variant in disease. Therefore, it has been classified as a Variant of Uncertain Significance. An algorithm developed to predict the effect of missense changes on protein structure and function (PolyPhen-2) suggests that this variant is likely to be tolerated. This variant has not been reported in the literature in individuals affected with ATM-related conditions.

Color Diagnostics, LLC DBA Color Health
Classification: Uncertain significance for Hereditary cancer-predisposing syndrome. Last evaluated: 2022-08-01. Review status: criteria provided, single submitter. Criteria: ACMG Guidelines, 2015. Collection method: clinical testing. Allele origin: germline.
Comment: This missense variant replaces histidine with tyrosine at codon 1661 of the ATM protein. Computational prediction suggests that this variant may not impact protein structure and function (internally defined REVEL score threshold <= 0.5, PMID: 27666373). To our knowledge, functional studies have not been reported for this variant. This variant has not been reported in individuals affected with hereditary cancer in the literature. This variant has not been identified in the general population by the Genome Aggregation Database (gnomAD). The available evidence is insufficient to determine the role of this variant in disease conclusively. Therefore, this variant is classified as a Variant of Uncertain Significance.

NM_000051.4(ATM):c.4981C>T (p.His1661Tyr)

Gene: ATM (ATM serine/threonine kinase; plus strand). Cytogenetic location: 11q22.3.
Variant type: single nucleotide variant.
Coding change: c.4981C>T on transcript NM_000051.4 (MANE Select); coding-DNA position 4981, C replaced by T.
Protein change: p.His1661Tyr; replaces histidine 1661 with tyrosine.
Molecular consequence: missense variant.
Genome position (GRCh38, 1-based): chr11:108,297,358, C>T. VCF-style: chr11-108297358-C-T. GRCh37 (hg19) VCF-style: chr11-108168085-C-T.
Other names: c.4981C>T, p.His1661Tyr (NM_001351834.2); short protein forms H1661Y.
Identifiers: ClinVar variation 2587761 (VCV002587761.8), dbSNP rs1591692950, ClinGen allele CA382538469.